The following is an entry in ClinVar:

NM_015474.4(SAMHD1):c.1223G>A (p.Arg408His)

Gene: SAMHD1 (SAM and HD domain containing deoxynucleoside triphosphate triphosphohydrolase 1; minus strand). Cytogenetic location: 20q11.23.
Variant type: single nucleotide variant.
Coding change: c.1223G>A on transcript NM_015474.4 (MANE Select); coding-DNA position 1223, G replaced by A.
Protein change: p.Arg408His; replaces arginine 408 with histidine.
Molecular consequence: missense variant.
Genome position (GRCh38, 1-based): chr20:36,911,265, C>T on the plus strand (G>A on the coding strand, the complement: SAMHD1 is on the minus strand). VCF-style: chr20-36911265-C-T. GRCh37 (hg19) VCF-style: chr20-35539668-C-T.
Other names: c.1223G>A, p.Arg408His (NM_001363729.2, NM_001363733.2); short protein forms R408H.
Identifiers: ClinVar variation 1423083 (VCV001423083.5), dbSNP rs140417977, ClinGen allele CA9844555.

ClinVar aggregate classification (germline): Uncertain significance (1 of 4 stars; one submission).

Conditions:
Aicardi-Goutieres syndrome 5. Identifiers: Orphanet 51, MedGen C2749659, MONDO:0013059, OMIM 612952.

Allele frequency attached by ClinVar (database versions not stated): TOPMed below 0.00001; gnomAD 0.00001; ExAC 0.00002; ESP Exome Variant Server 0.00015.

Submission:

Labcorp Genetics (formerly Invitae), Labcorp
Classification: Uncertain significance for Aicardi-Goutieres syndrome 5. Last evaluated: 2024-10-17. Review status: criteria provided, single submitter. Criteria: Invitae Variant Classification Sherloc (09022015). Collection method: clinical testing. Allele origin: germline.
Comment: This sequence change replaces arginine, which is basic and polar, with histidine, which is basic and polar, at codon 408 of the SAMHD1 protein (p.Arg408His). This variant is present in population databases (rs140417977, gnomAD 0.008%). This variant has not been reported in the literature in individuals affected with SAMHD1-related conditions. ClinVar contains an entry for this variant (Variation ID: 1423083). Invitae Evidence Modeling of protein sequence and biophysical properties (such as structural, functional, and spatial information, amino acid conservation, physicochemical variation, residue mobility, and thermodynamic stability) indicates that this missense variant is not expected to disrupt SAMHD1 protein function with a negative predictive value of 95%. In summary, the available evidence is currently insufficient to determine the role of this variant in disease. Therefore, it has been classified as a Variant of Uncertain Significance.